The following is an entry in ClinVar:

NM_002691.4(POLD1):c.3298G>A (p.Gly1100Arg)

Gene: POLD1 (DNA polymerase delta 1, catalytic subunit; plus strand). Cytogenetic location: 19q13.33.
Variant type: single nucleotide variant.
Coding change: c.3298G>A on transcript NM_002691.4 (MANE Select); coding-DNA position 3298, G replaced by A.
Protein change: p.Gly1100Arg; replaces glycine 1100 with arginine.
Molecular consequence: missense variant. On other transcripts: non-coding transcript variant (1).
Genome position (GRCh38, 1-based): chr19:50,417,921, G>A. VCF-style: chr19-50417921-G-A. GRCh37 (hg19) VCF-style: chr19-50921178-G-A.
Other names: c.3298G>A (NM_002691.2); c.3298G>A, p.Gly1100Arg (NM_001256849.1); c.3376G>A, p.Gly1126Arg (NM_001308632.1); short protein forms G1126R, G1100R.
Identifiers: ClinVar variation 408063 (VCV000408063.15), dbSNP rs1060501837, ClinGen allele CA16616211.

ClinVar aggregate classification (germline): Uncertain significance. Review status: criteria provided, multiple submitters, no conflicts (2 of 4 stars). 4 submissions from 4 submitters: Uncertain significance (4). Last evaluated 2025-05-05.

Conditions:
Hereditary cancer-predisposing syndrome. Also called: Neoplastic Syndromes, Hereditary; Hereditary neoplastic syndrome; Hereditary Cancer Syndrome; Tumor predisposition. Identifiers: Orphanet 140162, MedGen C0027672, MeSH D009386, MONDO:0015356.
POLD1-related polyposis and colorectal cancer syndrome (CRCS10). Also called: Colorectal cancer, susceptibility to, 10; Colorectal cancer 10; COLORECTAL CANCER, SUSCEPTIBILITY TO, ON CHROMOSOME 19q. Identifiers: Orphanet 220460, MedGen C2675481, MONDO:0012953, OMIM 612591.
Mandibular hypoplasia-deafness-progeroid syndrome. Also called: Mandibular hypoplasia, deafness, progeroid features, and lipodystrophy syndrome. Identifiers: Orphanet 363649, MedGen C3715192, MONDO:0014157, OMIM 615381.

Allele frequency attached by ClinVar (database versions not stated): gnomAD exomes below 0.00001.
gnomAD v4.1: 3 of 1,609,802 alleles (0.00019%); highest among the groups gnomAD compares: African/African-American, 0.0013%; no homozygotes.

Submissions (4):

Labcorp Genetics (formerly Invitae), Labcorp
Classification: Uncertain significance for POLD1-related polyposis and colorectal cancer syndrome. Last evaluated: 2025-05-05. Review status: criteria provided, single submitter. Criteria: Invitae Variant Classification Sherloc (09022015). Collection method: clinical testing. Allele origin: germline.
Comment: This sequence change replaces glycine, which is neutral and non-polar, with arginine, which is basic and polar, at codon 1100 of the POLD1 protein (p.Gly1100Arg). This variant is not present in population databases (gnomAD no frequency). This missense change has been observed in individual(s) with autosomal recessive non-syndromic sensorineural hearing loss (PMID: 31944473). It has also been observed to segregate with disease in related individuals. ClinVar contains an entry for this variant (Variation ID: 408063). Invitae Evidence Modeling of protein sequence and biophysical properties (such as structural, functional, and spatial information, amino acid conservation, physicochemical variation, residue mobility, and thermodynamic stability) indicates that this missense variant is not expected to disrupt POLD1 protein function with a negative predictive value of 80%. Experimental studies have shown that this missense change affects POLD1 function (PMID: 31944473). In summary, the available evidence is currently insufficient to determine the role of this variant in disease. Therefore, it has been classified as a Variant of Uncertain Significance.

Ambry Genetics
Classification: Uncertain significance for Hereditary cancer-predisposing syndrome. Last evaluated: 2024-11-08. Review status: criteria provided, single submitter. Criteria: Ambry Variant Classification Scheme 2023. Collection method: clinical testing. Allele origin: germline.
Comment: The p.G1100R variant (also known as c.3298G>A), located in coding exon 26 of the POLD1 gene, results from a G to A substitution at nucleotide position 3298. The glycine at codon 1100 is replaced by arginine, an amino acid with dissimilar properties. This amino acid position is well conserved in available vertebrate species. In addition, this alteration is predicted to be tolerated by in silico analysis. Based on the available evidence, the clinical significance of this variant remains unclear.

GeneDx
Classification: Uncertain significance. Last evaluated: 2024-04-18. Review status: criteria provided, single submitter. Criteria: GeneDx Variant Classification Process June 2021. Collection method: clinical testing. Allele origin: germline. Affected: yes.
Comment: Identified on the opposite allele (in trans) with a POLD1 loss-of-function variant in two siblings with nonsyndromic sensorineural hearing loss, and also seen as a single heterozygous variant in their unaffected sibling (PMID: 31944473); Published functional studies demonstrate reduced DNA polymerization activity in vitro, but protein stability comparable to wild-type (PMID: 31944473); Not observed in large population cohorts (gnomAD); In silico analysis supports that this missense variant has a deleterious effect on protein structure/function; This variant is associated with the following publications: (PMID: 31944473)

Fulgent Genetics
Classification: Uncertain significance for POLD1-related polyposis and colorectal cancer syndrome; Mandibular hypoplasia-deafness-progeroid syndrome. Last evaluated: 2018-10-31. Review status: criteria provided, single submitter. Criteria: ACMG Guidelines, 2015. Collection method: clinical testing. Allele origin: unknown.

Literature cited by the submitters: PubMed 31944473 (cited by Labcorp Genetics (formerly Invitae), Labcorp).